The following is an entry in ClinVar:

ClinVar aggregate classification (germline): Conflicting classifications of pathogenicity. Review status: criteria provided, conflicting classifications (1 of 4 stars). 12 submissions from 11 submitters: Uncertain significance (2); Likely benign (9). 1 of the submissions does not count toward it. Last evaluated 2026-03-27.

Conditions:
RYR2-related disorder. Also called: RYR2-related condition.
Cardiovascular phenotype. Identifiers: MedGen CN230736.
Catecholaminergic polymorphic ventricular tachycardia (CVPT). Also called: Catecholamine-induced polymorphic ventricular tachycardia. Identifiers: Orphanet 3286, MedGen C5574922, MONDO:0017990.
Cardiomyopathy (CMYO). Also called: Cardiomyopathies. Identifiers: Orphanet 167848, MedGen C0878544, MONDO:0004994, HP:0001638. Inheritance: Various modes of inheritance.
Catecholaminergic polymorphic ventricular tachycardia 1. Also called: RYR2-Related Catecholaminergic Polymorphic Ventricular Tachycardia; VENTRICULAR TACHYCARDIA, STRESS-INDUCED POLYMORPHIC 1; VENTRICULAR TACHYCARDIA, CATECHOLAMINERGIC POLYMORPHIC, 1, WITH OR WITHOUT ATRIAL DYSFUNCTION AND/OR DILATED CARDIOMYOPATHY. Identifiers: Orphanet 3286, MedGen C1631597, MONDO:0011484, OMIM 604772.
Arrhythmogenic right ventricular dysplasia 2. Identifiers: MedGen C1832931.

Allele frequency attached by ClinVar (database versions not stated): gnomAD 0.00003 and 0.00004; TOPMed 0.00004; gnomAD exomes 0.00006; ExAC 0.00010.
gnomAD v4.1: 101 of 1,608,652 alleles (0.0063%); highest among the groups gnomAD compares: Middle Eastern, 0.016%; 1 homozygote.

Submissions (12):

Molecular Diagnostic Laboratory for Inherited Cardiovascular Disease, Montreal Heart Institute
Classification: Likely benign. Last evaluated: 2026-03-27. Review status: criteria provided, single submitter. Criteria: ACMG Guidelines, 2015. Collection method: clinical testing. Allele origin: germline. Affected: no.

Labcorp Genetics (formerly Invitae), Labcorp
Classification: Likely benign for Catecholaminergic polymorphic ventricular tachycardia 1. Last evaluated: 2026-02-02. Review status: criteria provided, single submitter. Criteria: Invitae Variant Classification Sherloc (09022015). Collection method: clinical testing. Allele origin: germline.

Blueprint Genetics
Classification: Likely benign. Last evaluated: 2024-09-04. Review status: criteria provided, single submitter. Criteria: ACMG Guidelines, 2015. Collection method: clinical testing. Allele origin: germline.

All of Us Research Program, National Institutes of Health
Classification: Likely benign for Catecholaminergic polymorphic ventricular tachycardia. Last evaluated: 2023-12-13. Review status: criteria provided, single submitter. Criteria: ACMG Guidelines, 2015. Collection method: clinical testing. Allele origin: germline. Inheritance: Autosomal dominant inheritance. Observed: 17 variant alleles, 17 heterozygotes.
Comment: This study involves interpretation of variants in research participants for the purpose of population health screening. Participant phenotype was not available at the time of variant classification. Additional details can be found in publication PMID: 35346344, PMCID: PMC8962531

CeGaT Center for Human Genetics Tuebingen
Classification: Likely benign. Last evaluated: 2022-05-01. Review status: criteria provided, single submitter. Criteria: CeGaT Center For Human Genetics Tuebingen Variant Classification Criteria Version 2. Collection method: clinical testing. Allele origin: germline. Affected: yes. Observed: 2 variant alleles.
Comment: RYR2: BP4, BP7

GeneDx
Classification: Likely benign. Last evaluated: 2021-07-20. Review status: criteria provided, single submitter. Criteria: GeneDx Variant Classification Process June 2021. Collection method: clinical testing. Allele origin: germline. Affected: yes.

Ambry Genetics
Classification: Likely benign for Cardiovascular phenotype. Last evaluated: 2020-10-13. Review status: criteria provided, single submitter. Criteria: Ambry Variant Classification Scheme 2023. Collection method: clinical testing. Allele origin: germline.

Color Diagnostics, LLC DBA Color Health
Classification: Likely benign for Cardiomyopathy. Last evaluated: 2018-04-26. Review status: criteria provided, single submitter. Criteria: ACMG Guidelines, 2015. Collection method: clinical testing. Allele origin: germline.

Illumina Laboratory Services, Illumina
Classification: Uncertain significance for Catecholaminergic polymorphic ventricular tachycardia 1. Last evaluated: 2018-01-13. Review status: criteria provided, single submitter. Criteria: ICSL Variant Classification Criteria 13 December 2019. Collection method: clinical testing. Allele origin: germline.

Illumina Laboratory Services, Illumina
Classification: Uncertain significance for Catecholaminergic polymorphic ventricular tachycardia 1. Last evaluated: 2018-01-13. Review status: criteria provided, single submitter. Criteria: ICSL Variant Classification Criteria 13 December 2019. Collection method: clinical testing. Allele origin: germline.

Laboratory for Molecular Medicine, Mass General Brigham Personalized Medicine
Classification: Likely benign. Last evaluated: 2015-05-26. Review status: criteria provided, single submitter. Criteria: LMM Criteria. Collection method: clinical testing. Allele origin: germline. Observed: 1 variant allele.
Comment: p.Ile2971Ile in exon 62 of RYR2: This variant is not expected to have clinical s ignificance because it does not alter an amino acid residue and is not located w ithin the splice consensus sequence. It has been identified in 11/58478 European chromosomes by the Exome Aggregation Consortium (ExAC).

PreventionGenetics, part of Exact Sciences
Classification: Likely benign for RYR2-related condition. Last evaluated: 2019-06-19. Review status: no assertion criteria provided. Collection method: clinical testing. Allele origin: germline. Not counted in ClinVar's aggregate classification.
Comment: This variant is classified as likely benign based on ACMG/AMP sequence variant interpretation guidelines (Richards et al. 2015 PMID: 25741868, with internal and published modifications).

NM_001035.3(RYR2):c.8913T>C (p.Ile2971=)

Gene: RYR2 (ryanodine receptor 2; plus strand). Cytogenetic location: 1q43.
Variant type: single nucleotide variant.
Coding change: c.8913T>C on transcript NM_001035.3 (MANE Select); coding-DNA position 8913, T replaced by C.
Protein change: p.Ile2971=; no amino-acid change (isoleucine 2971 retained).
Molecular consequence: synonymous variant.
Genome position (GRCh38, 1-based): chr1:237,680,473, T>C. VCF-style: chr1-237680473-T-C. GRCh37 (hg19) VCF-style: chr1-237843773-T-C.
Identifiers: ClinVar variation 227924 (VCV000227924.72), dbSNP rs755520825, ClinGen allele CA087786.
Genomic context (GRCh38, chr1:237,680,473, plus strand): 5'-AAGATTCCACTACGTAGATCTGTCTTCTTTTCCTTTCTTTCAGGTCGTTCTTCCTTTAAT[T>C]GATCAGTATTTCAAAAACCATCGTTTATACTTCTTATCTGCAGCAAGCAGACCTCTCTGC-3'
Protein context (NP_001026.2, residues 2961-2981): KFFAKVVLPL[Ile2971=]DQYFKNHRLY